The following is an entry in ClinVar:

ClinVar aggregate classification (germline): Benign/Likely benign. Review status: criteria provided, multiple submitters, no conflicts (2 of 4 stars). 5 submissions from 5 submitters: Benign (3); Likely benign (2). Last evaluated 2026-01-26.

Conditions:
Leukodystrophy, hypomyelinating, 7, with or without oligodontia and/or hypogonadotropic hypogonadism (HLD7). Also called: LEUKOENCEPHALOPATHY, HYPOMYELINATING, WITH ATAXIA AND DELAYED DENTITION; ATAXIA, DELAYED DENTITION, AND HYPOMYELINATION; LEUKODYSTROPHY, HYPOMYELINATING, 7, WITH OLIGODONTIA; LEUKODYSTROPHY, HYPOMYELINATING, 7, WITH OLIGODONTIA AND HYPOGONADOTROPIC HYPOGONADISM; LEUKODYSTROPHY, HYPOMYELINATING, 7, WITHOUT OLIGODONTIA OR HYPOGONADOTROPIC HYPOGONADISM; Ataxia, Delayed Dentition and Hypomyelination (ADDH). Identifiers: Orphanet 137639, Orphanet 447893, Orphanet 447896, Orphanet 77295, Orphanet 88637, MedGen CN034185, MONDO:0011897, OMIM 607694.

Allele frequency attached by ClinVar (database versions not stated): gnomAD exomes 0.00054 and 0.00151; ExAC 0.00174; 1000 Genomes Project 0.00499; gnomAD 0.00563 and 0.00606; 1000 Genomes Project 30x 0.00593; TOPMed 0.00638; ESP Exome Variant Server 0.00654.
gnomAD v4.1: 1,678 of 1,613,608 alleles (0.1%); highest among the groups gnomAD compares: African/African-American, 2%; 19 homozygotes.

Submissions (5):

Labcorp Genetics (formerly Invitae), Labcorp
Classification: Benign. Last evaluated: 2026-01-26. Review status: criteria provided, single submitter. Criteria: Invitae Variant Classification Sherloc (09022015). Collection method: clinical testing. Allele origin: germline.

Mayo Clinic Laboratories, Mayo Clinic
Classification: Benign. Last evaluated: 2024-01-02. Review status: criteria provided, single submitter. Criteria: ACMG Guidelines, 2015. Collection method: clinical testing. Allele origin: germline. Observed: 3 variant alleles.
Comment: BS1, BS2, BP4, BP7

GeneDx
Classification: Likely benign. Last evaluated: 2021-05-19. Review status: criteria provided, single submitter. Criteria: GeneDx Variant Classification Process June 2021. Collection method: clinical testing. Allele origin: germline. Affected: yes.

Illumina Laboratory Services, Illumina
Classification: Benign for Leukodystrophy, hypomyelinating, 7, with or without oligodontia and/or hypogonadotropic hypogonadism. Last evaluated: 2018-01-13. Review status: criteria provided, single submitter. Criteria: ICSL Variant Classification Criteria 13 December 2019. Collection method: clinical testing. Allele origin: germline.
Comment: This variant was observed in the ICSL laboratory as part of a predisposition screen in an ostensibly healthy population. It had not been previously curated by ICSL or reported in the Human Gene Mutation Database (HGMD: prior to June 1st, 2018), and was therefore a candidate for classification through an automated scoring system. Utilizing variant allele frequency, disease prevalence and penetrance estimates, and inheritance mode, an automated score was calculated to assess if this variant is too frequent to cause the disease. Based on the score and internal cut-off values, a variant classified as benign is not then subjected to further curation. The score for this variant resulted in a classification of benign for this disease.

Breakthrough Genomics
Classification: Likely benign. Review status: criteria provided, single submitter. Criteria: ACMG Guidelines, 2015. Collection method: not provided. Allele origin: germline. Inheritance: Autosomal recessive inheritance. Affected: yes.

NM_007055.4(POLR3A):c.3645C>T (p.Asp1215=)

Gene: POLR3A (RNA polymerase III subunit A; minus strand). Cytogenetic location: 10q22.3.
Variant type: single nucleotide variant.
Coding change: c.3645C>T on transcript NM_007055.4 (MANE Select); coding-DNA position 3645, C replaced by T.
Protein change: p.Asp1215=; no amino-acid change (aspartic acid 1215 retained).
Molecular consequence: synonymous variant.
Genome position (GRCh38, 1-based): chr10:77,982,268, G>A on the plus strand (C>T on the coding strand, the complement: POLR3A is on the minus strand). VCF-style: chr10-77982268-G-A. GRCh37 (hg19) VCF-style: chr10-79742026-G-A.
Other names: p.Asp1215=.
Identifiers: ClinVar variation 301041 (VCV000301041.18), dbSNP rs147591223, ClinGen allele CA5570761.